The following is an entry in ClinVar:

ClinVar aggregate classification (germline): Pathogenic. Review status: criteria provided, multiple submitters, no conflicts (2 of 4 stars). 2 submissions from 2 submitters: Pathogenic (2). Last evaluated 2025-08-12.

Conditions:
X-linked Emery-Dreifuss muscular dystrophy. Also called: Muscular dystrophy, tardive Emery-Dreifuss type, with contractures. Identifiers: Orphanet 261, Orphanet 98863, MedGen C0751337, MONDO:0010680.

Submissions (2):

Labcorp Genetics (formerly Invitae), Labcorp
Classification: Pathogenic for X-linked Emery-Dreifuss muscular dystrophy. Last evaluated: 2025-08-12. Review status: criteria provided, single submitter. Criteria: Invitae Variant Classification Sherloc (09022015). Collection method: clinical testing. Allele origin: germline.
Comment: This sequence change affects a donor splice site in intron 1 of the EMD gene. It is expected to disrupt RNA splicing. Variants that disrupt the donor or acceptor splice site typically lead to a loss of protein function (PMID: 16199547), and loss-of-function variants in EMD are known to be pathogenic (PMID: 24365856). This variant is not present in population databases (gnomAD no frequency). Disruption of this splice site has been observed in individuals with clinical features of Emery-Dreifuss muscular dystrophy (PMID: 8595433, 32860008). This variant is also known as 141+1G>T. ClinVar contains an entry for this variant (Variation ID: 433166). Algorithms developed to predict the effect of sequence changes on RNA splicing suggest that this variant may disrupt the consensus splice site. For these reasons, this variant has been classified as Pathogenic.

Molecular Diagnostics Lab, Nemours Children's Health, Delaware
Classification: Pathogenic for Emery-Dreifuss muscular dystrophy 1, X-linked. Last evaluated: 2016-07-26. Review status: criteria provided, single submitter. Criteria: ACMG Guidelines, 2015. Collection method: clinical testing. Allele origin: unknown. Affected: yes. Observed: 1 hemizygote.

Literature cited by the submitters: PubMed 16199547 (cited by Labcorp Genetics (formerly Invitae), Labcorp); PubMed 24365856 (cited by Labcorp Genetics (formerly Invitae), Labcorp); PubMed 8595433 (cited by Labcorp Genetics (formerly Invitae), Labcorp and Molecular Diagnostics Lab, Nemours Children's Health, Delaware); PubMed 32860008 (cited by Labcorp Genetics (formerly Invitae), Labcorp).

NM_000117.3(EMD):c.82+1G>T

Gene: EMD (emerin; plus strand). Cytogenetic location: Xq28.
Variant type: single nucleotide variant.
Coding change: c.82+1G>T on transcript NM_000117.3 (MANE Select); the canonical splice donor site of the intron after coding-DNA position 82, G replaced by T.
Molecular consequence: splice donor variant.
Genome position (GRCh38, 1-based): chrX:154,379,567, G>T. VCF-style: chrX-154379567-G-T. GRCh37 (hg19) VCF-style: chrX-153607927-G-T.
Identifiers: ClinVar variation 433166 (VCV000433166.4), dbSNP rs1557182214, ClinGen allele CA415257200.